The following is an entry in ClinVar:

ClinVar aggregate classification (germline): Benign/Likely benign. Review status: criteria provided, multiple submitters, no conflicts (2 of 4 stars). 6 submissions from 6 submitters: Benign (2); Likely benign (3). 1 of the submissions does not count toward it. Last evaluated 2025-12-22.

Conditions:
PDLIM3-related disorder. Also called: PDLIM3-related condition.
Primary dilated cardiomyopathy (DCM). Also called: Dilated Cardiomyopathy. Identifiers: Orphanet 217604, MedGen C0007193, MeSH D002311, MONDO:0005021, HP:0001644. Inheritance: Various modes of inheritance.
Hypertrophic cardiomyopathy. Also called: HYPERTROPHIC MYOCARDIOPATHY. Identifiers: Orphanet 217569, MedGen C0007194, MeSH D002312, MONDO:0005045, HP:0001639.

Allele frequency attached by ClinVar (database versions not stated): ExAC 0.00009; ESP Exome Variant Server 0.00031; gnomAD exomes 0.00013; TOPMed 0.00012.
gnomAD v4.1: 244 of 1,609,026 alleles (0.015%); highest among the groups gnomAD compares: South Asian, 0.021%; no homozygotes.

Submissions (6):

Labcorp Genetics (formerly Invitae), Labcorp
Classification: Likely benign for Hypertrophic cardiomyopathy; Primary dilated cardiomyopathy. Last evaluated: 2025-12-22. Review status: criteria provided, single submitter. Criteria: Invitae Variant Classification Sherloc (09022015). Collection method: clinical testing. Allele origin: germline.

Laboratory of Genetics, Children's Clinical University Hospital Latvia
Classification: Likely benign. Last evaluated: 2025-02-16. Review status: criteria provided, single submitter. Criteria: ACMG Guidelines, 2015. Collection method: clinical testing. Allele origin: germline. Affected: yes.

Women's Health and Genetics/Laboratory Corporation of America, LabCorp
Classification: Benign. Last evaluated: 2024-12-27. Review status: criteria provided, single submitter. Criteria: LabCorp Variant Classification Summary - May 2015. Collection method: clinical testing. Allele origin: germline.

Ambry Genetics
Classification: Likely benign. Last evaluated: 2022-06-09. Review status: criteria provided, single submitter. Criteria: Ambry Variant Classification Scheme 2023. Collection method: clinical testing. Allele origin: germline.

GeneDx
Classification: Benign. Last evaluated: 2014-06-24. Review status: criteria provided, single submitter. Criteria: GeneDx Variant Classification (06012015). Collection method: clinical testing. Allele origin: germline. Affected: yes.
Comment: This variant is considered likely benign or benign based on one or more of the following criteria: it is a conservative change, it occurs at a poorly conserved position in the protein, it is predicted to be benign by multiple in silico algorithms, and/or has population frequency not consistent with disease.

PreventionGenetics, part of Exact Sciences
Classification: Likely benign for PDLIM3-related condition. Last evaluated: 2019-02-22. Review status: no assertion criteria provided. Collection method: clinical testing. Allele origin: germline. Not counted in ClinVar's aggregate classification.
Comment: This variant is classified as likely benign based on ACMG/AMP sequence variant interpretation guidelines (Richards et al. 2015 PMID: 25741868, with internal and published modifications).

NM_014476.6(PDLIM3):c.696C>T (p.Asp232=)

Gene: PDLIM3 (PDZ and LIM domain 3; minus strand). Cytogenetic location: 4q35.1.
Variant type: single nucleotide variant.
Coding change: c.696C>T on transcript NM_014476.6 (MANE Select); coding-DNA position 696, C replaced by T.
Protein change: p.Asp232=; no amino-acid change (aspartic acid 232 retained).
Molecular consequence: synonymous variant. On other transcripts: non-coding transcript variant (1).
Genome position (GRCh38, 1-based): chr4:185,506,619, G>A on the plus strand (C>T on the coding strand, the complement: PDLIM3 is on the minus strand). VCF-style: chr4-185506619-G-A. GRCh37 (hg19) VCF-style: chr4-186427773-G-A.
Other names: p.D232D:GAC>GAT; c.552C>T, p.Asp184= (NM_001114107.5); c.432C>T, p.Asp144= (NM_001257962.2); c.195C>T, p.Asp65= (NM_001257963.2).
Identifiers: ClinVar variation 201947 (VCV000201947.18), dbSNP rs148256486, ClinGen allele CA335473.